The following is an entry in ClinVar:

ClinVar aggregate classification (germline): Conflicting classifications of pathogenicity. Review status: criteria provided, conflicting classifications (1 of 4 stars). 2 submissions from 2 submitters: Pathogenic (1); Uncertain significance (1). Last evaluated 2025-06-11.

Conditions:
Frontotemporal dementia and/or amyotrophic lateral sclerosis 4. Also called: FTDALS4. Identifiers: Orphanet 275872, MedGen C4225325, MONDO:0014641, OMIM 616439.
TBK1-related disorder. Also called: TBK1-related condition.

Submissions (2):

Labcorp Genetics (formerly Invitae), Labcorp
Classification: Uncertain significance for Frontotemporal dementia and/or amyotrophic lateral sclerosis 4. Last evaluated: 2025-06-11. Review status: criteria provided, single submitter. Criteria: Invitae Variant Classification Sherloc (09022015). Collection method: clinical testing. Allele origin: germline.
Comment: This sequence change creates a premature translational stop signal (p.Glu695Argfs*16) in the TBK1 gene. While this is not anticipated to result in nonsense mediated decay, it is expected to disrupt the last 35 amino acid(s) of the TBK1 protein. This variant is not present in population databases (gnomAD no frequency). This premature translational stop signal has been observed in individual(s) with clinical features of TBK1-related conditions (PMID: 30293248). ClinVar contains an entry for this variant (Variation ID: 3706388). This variant disrupts a region of the TBK1 protein in which other variant(s) (p.Gly722Asp) have been observed in individuals with TBK1-related conditions (internal data). This suggests that this is a clinically significant region of the protein, and that variants that disrupt it are likely to be disease-causing. In summary, the available evidence is currently insufficient to determine the role of this variant in disease. Therefore, it has been classified as a Variant of Uncertain Significance.

PreventionGenetics, part of Exact Sciences
Classification: Pathogenic for TBK1-related condition. Last evaluated: 2025-01-09. Review status: criteria provided, single submitter. Criteria: ACMG Guidelines, 2015. Collection method: clinical testing. Allele origin: germline.
Comment: The TBK1 c.2079_2082delAAAG variant is predicted to result in a frameshift and premature protein termination (p.Glu695Argfs*16). This variant has been reported in both the heterozygous and homozygous state in individuals with TBK1-related motor neuron disease (Nair et al. 2018. PubMed ID: 30293248). This variant has not been reported in a large population database (gnomAD), indicating this variant is rare. Frameshift variants in TBK1 are expected to be pathogenic. This variant is interpreted as pathogenic.

Literature cited by the submitters: PubMed 30293248 (cited by Labcorp Genetics (formerly Invitae), Labcorp).

NM_013254.4(TBK1):c.2079_2082del (p.Glu695fs)

Gene: TBK1 (TANK binding kinase 1; plus strand). Cytogenetic location: 12q14.2.
Variant type: Deletion.
Coding change: c.2079_2082del on transcript NM_013254.4 (MANE Select); coding-DNA positions 2079 to 2082, 4 bases deleted (AAAG; older notation c.2079_2082delAAAG).
Protein change: p.Glu695fs; shifts the reading frame from glutamic acid 695.
Molecular consequence: frameshift variant.
Genome position (GRCh38, 1-based): chr12:64,497,980-64,497,983, AAAG deleted. VCF-style (leftmost placement, unchanged base first): chr12-64497979-TAAAG-T. GRCh37 (hg19) VCF-style: chr12-64891759-TAAAG-T.
Other names: c.2079_2082delAAAG (NM_013254.3); short protein forms E695fs.
Identifiers: ClinVar variation 3706388 (VCV003706388.3).
Genomic context (GRCh38, chr12:64,497,979, plus strand): 5'-AAACATTTGCATACTGTTTTTGAGCAAAGGTGCTTGTTTATTTTATTAGTATGAAGAAAT[TAAAG>T]GAAGAGATGGAAGGGGTGGTTAAAGAACTTGCTGAAAATAACCACATTTTAGAAAGGTGA-3'